The following is an entry in ClinVar:

NM_004006.3(DMD):c.8443C>T (p.Gln2815Ter)

Gene: DMD (dystrophin; minus strand). Cytogenetic location: Xp21.2.
Variant type: single nucleotide variant.
Coding change: c.8443C>T on transcript NM_004006.3 (MANE Select); coding-DNA position 8443, C replaced by T.
Protein change: p.Gln2815Ter; replaces glutamine 2815 with a stop codon.
Molecular consequence: nonsense.
Genome position (GRCh38, 1-based): chrX:31,496,892, G>A on the plus strand (C>T on the coding strand, the complement: DMD is on the minus strand). VCF-style: chrX-31496892-G-A. GRCh37 (hg19) VCF-style: chrX-31515009-G-A.
Other names: NP_003997.1:p.Gln2815*; c.8419C>T, p.Gln2807Ter (NM_000109.4); c.8431C>T, p.Gln2811Ter (NM_004009.3); c.8074C>T, p.Gln2692Ter (NM_004010.3); c.4420C>T, p.Gln1474Ter (NM_004011.4); c.4411C>T, p.Gln1471Ter (NM_004012.4); c.1063C>T, p.Gln355Ter (NM_004013.3, NM_004020.4, NM_004021.3 and 2 more transcripts); c.256C>T, p.Gln86Ter (NM_004014.3); short protein forms Q2815*, Q1471*, Q1474*, Q2692*, Q355*, Q2807*, Q2811*, Q86*.
Identifiers: ClinVar variation 94807 (VCV000094807.2), dbSNP rs398124072, ClinGen allele CA267163.

ClinVar aggregate classification (germline): Pathogenic. Review status: criteria provided, multiple submitters, no conflicts (2 of 4 stars). 2 submissions from 2 submitters: Pathogenic (2). Last evaluated 2023-06-02.

Conditions:
Duchenne muscular dystrophy (DMD). Also called: Duchenne Muscular Dystrophy (DMD); MUSCULAR DYSTROPHY, PSEUDOHYPERTROPHIC PROGRESSIVE, DUCHENNE TYPE. Identifiers: Orphanet 98896, MedGen C0013264, MONDO:0010679, OMIM 310200.
Neuromuscular disease caused by qualitative or quantitative defects of dystrophin. Also called: Qualitative or quantitative defects of dystrophin. Identifiers: Orphanet 207085, MedGen C5679787, MONDO:0016147.

Submissions (2):

Illumina Laboratory Services, Illumina
Classification: Pathogenic for Dystrophinopathies. Last evaluated: 2023-06-02. Review status: criteria provided, single submitter. Criteria: ICSLVariantClassificationCriteria RUGD 01 April 2020. Collection method: clinical testing. Allele origin: unknown.
Comment: The DMD c.8443C>T (p.Gln2815Ter) nonsense variant results in the loss of normal protein function through either protein truncation or nonsense-mediated mRNA decay. This variant has been identified in at least four individuals with a phenotype consistent with dystrophinopathies (PMID: 7611292; 27593222; 29973226; 36381256). This variant is not observed in version 2.1.1 or version 3.1.2 of the Genome Aggregation Database. Based on the available evidence, the c.8443C>T (p.Gln2815Ter) variant is classified as pathogenic for dystrophinopathies.

Athena Diagnostics
Classification: Pathogenic for Duchenne muscular dystrophy. Last evaluated: 2013-04-09. Review status: criteria provided, single submitter. Criteria: Athena Diagnostics Criteria. Collection method: clinical testing. Allele origin: germline. Inheritance: X-linked recessive inheritance.
Comment: X-linked recessive inheritance

Literature cited by the submitters: PubMed 7611292 (cited by Athena Diagnostics).